The following is an entry in ClinVar:

ClinVar aggregate classification (germline): Uncertain significance. Review status: criteria provided, multiple submitters, no conflicts (2 of 4 stars). 2 submissions from 2 submitters: Uncertain significance (2). Last evaluated 2025-05-16.

Conditions:
Inborn genetic diseases. Identifiers: MedGen C0950123, MeSH D030342.

Allele frequency attached by ClinVar (database versions not stated): gnomAD exomes below 0.00001; TOPMed 0.00005; gnomAD 0.00004.
gnomAD v4.1: 8 of 1,613,746 alleles (0.0005%); highest among the groups gnomAD compares: Admixed American, 0.012%; no homozygotes.

Submissions (2):

Ambry Genetics
Classification: Uncertain significance for Inborn genetic diseases. Last evaluated: 2025-05-16. Review status: criteria provided, single submitter. Criteria: Ambry Variant Classification Scheme 2023. Collection method: clinical testing. Allele origin: germline.

Labcorp Genetics (formerly Invitae), Labcorp
Classification: Uncertain significance. Last evaluated: 2023-11-28. Review status: criteria provided, single submitter. Criteria: Invitae Variant Classification Sherloc (09022015). Collection method: clinical testing. Allele origin: germline.
Comment: This sequence change replaces threonine, which is neutral and polar, with alanine, which is neutral and non-polar, at codon 2843 of the ANK3 protein (p.Thr2843Ala). This variant is present in population databases (no rsID available, gnomAD 0.003%). This variant has not been reported in the literature in individuals affected with ANK3-related conditions. ClinVar contains an entry for this variant (Variation ID: 2365379). Advanced modeling of protein sequence and biophysical properties (such as structural, functional, and spatial information, amino acid conservation, physicochemical variation, residue mobility, and thermodynamic stability) performed at Invitae indicates that this missense variant is not expected to disrupt ANK3 protein function with a negative predictive value of 80%. In summary, the available evidence is currently insufficient to determine the role of this variant in disease. Therefore, it has been classified as a Variant of Uncertain Significance.

NM_020987.5(ANK3):c.8527A>G (p.Thr2843Ala)

Gene: ANK3 (ankyrin 3; minus strand). Cytogenetic location: 10q21.2.
Variant type: single nucleotide variant.
Coding change: c.8527A>G on transcript NM_020987.5 (MANE Select); coding-DNA position 8527, A replaced by G.
Protein change: p.Thr2843Ala; replaces threonine 2843 with alanine.
Molecular consequence: missense variant. On other transcripts: intron variant (4).
Genome position (GRCh38, 1-based): chr10:60,072,354, T>C on the plus strand (A>G on the coding strand, the complement: ANK3 is on the minus strand). VCF-style: chr10-60072354-T-C. GRCh37 (hg19) VCF-style: chr10-61832112-T-C.
Other names: c.4388-4345A>G (NM_001204403.2); c.4409-4345A>G (NM_001204404.2); c.4406-4345A>G (NM_001320874.2); c.1808-4345A>G (NM_001149.4); short protein forms T2843A.
Identifiers: ClinVar variation 2365379 (VCV002365379.6), dbSNP rs932454279, ClinGen allele CA207325547.